The following is an entry in ClinVar:

NM_000051.4(ATM):c.4858C>T (p.Gln1620Ter)

Gene: ATM (ATM serine/threonine kinase; plus strand). Cytogenetic location: 11q22.3.
Variant type: single nucleotide variant.
Coding change: c.4858C>T on transcript NM_000051.4 (MANE Select); coding-DNA position 4858, C replaced by T.
Protein change: p.Gln1620Ter; replaces glutamine 1620 with a stop codon.
Molecular consequence: nonsense.
Genome position (GRCh38, 1-based): chr11:108,295,008, C>T. VCF-style: chr11-108295008-C-T. GRCh37 (hg19) VCF-style: chr11-108165735-C-T.
Other names: c.4858C>T, p.Gln1620Ter (NM_001351834.2); short protein forms Q1620*.
Identifiers: ClinVar variation 2137241 (VCV002137241.5), dbSNP rs2135836328, ClinGen allele CA382537001.

ClinVar aggregate classification (germline): Pathogenic. Review status: criteria provided, multiple submitters, no conflicts (2 of 4 stars). 2 submissions from 2 submitters: Pathogenic (2). Last evaluated 2025-05-01.

Conditions:
Ataxia-telangiectasia syndrome (AT). Also called: LOUIS-BAR SYNDROME; Ataxia telangiectasia (A-T); Cerebello-oculocutaneous telangiectasia; Immunodeficiency with ataxia telangiectasia; ATAXIA-TELANGIECTASIA, COMPLEMENTATION GROUP A; ATAXIA-TELANGIECTASIA, FRESNO VARIANT. Identifiers: Orphanet 100, MedGen C0004135, MONDO:0008840, OMIM 208900.
Hereditary cancer-predisposing syndrome. Also called: Tumor predisposition; Hereditary Cancer Syndrome; Hereditary neoplastic syndrome; Neoplastic Syndromes, Hereditary. Identifiers: Orphanet 140162, MedGen C0027672, MeSH D009386, MONDO:0015356.

Submissions (2):

Ambry Genetics
Classification: Pathogenic for Hereditary cancer-predisposing syndrome. Last evaluated: 2025-05-01. Review status: criteria provided, single submitter. Criteria: Ambry Variant Classification Scheme 2023. Collection method: clinical testing. Allele origin: germline.
Comment: The p.Q1620* pathogenic mutation (also known as c.4858C>T), located in coding exon 31 of the ATM gene, results from a C to T substitution at nucleotide position 4858. This changes the amino acid from a glutamine to a stop codon within coding exon 31. This variant has been identified in the homozygous state in individual(s) with features consistent with ataxia telangiectasia (Vorechovsk&yacute; I et al. Eur J Hum Genet, 1996;4:352-5; Laake K et al. Hum Mutat, 2000 Sep;16:232-46). This variant is considered to be rare based on population cohorts in the Genome Aggregation Database (gnomAD). In addition to the clinical data presented in the literature, this alteration is expected to result in loss of function by premature protein truncation or nonsense-mediated mRNA decay. As such, this alteration is interpreted as a disease-causing mutation.

Labcorp Genetics (formerly Invitae), Labcorp
Classification: Pathogenic for Ataxia-telangiectasia syndrome. Last evaluated: 2022-03-03. Review status: criteria provided, single submitter. Criteria: Invitae Variant Classification Sherloc (09022015). Collection method: clinical testing. Allele origin: germline.
Comment: For these reasons, this variant has been classified as Pathogenic. This premature translational stop signal has been observed in individual(s) with ataxia-telangiectesia (PMID: 9043869). This variant is not present in population databases (gnomAD no frequency). This sequence change creates a premature translational stop signal (p.Gln1620*) in the ATM gene. It is expected to result in an absent or disrupted protein product. Loss-of-function variants in ATM are known to be pathogenic (PMID: 23807571, 25614872).

Literature cited by the submitters: PubMed 10980530 (cited by Ambry Genetics); PubMed 9043869 (cited by Ambry Genetics and Labcorp Genetics (formerly Invitae), Labcorp); PubMed 23807571 (cited by Labcorp Genetics (formerly Invitae), Labcorp); PubMed 25614872 (cited by Labcorp Genetics (formerly Invitae), Labcorp).